The following is an entry in ClinVar:

ClinVar aggregate classification (germline): Uncertain significance. Review status: criteria provided, multiple submitters, no conflicts (2 of 4 stars). 2 submissions from 2 submitters: Uncertain significance (2). Last evaluated 2025-06-19.

Conditions:
ESRRB-related disorder. Also called: ESRRB-related condition.

gnomAD v4.1: 23 of 1,613,990 alleles (0.0014%); highest among the groups gnomAD compares: African/African-American, 0.015%; no homozygotes.

Submissions (2):

Ambry Genetics
Classification: Uncertain significance. Last evaluated: 2025-06-19. Review status: criteria provided, single submitter. Criteria: Ambry Variant Classification Scheme 2023. Collection method: clinical testing. Allele origin: germline.

PreventionGenetics, part of Exact Sciences
Classification: Uncertain significance for ESRRB-related condition. Last evaluated: 2025-01-30. Review status: criteria provided, single submitter. Criteria: ACMG Guidelines, 2015. Collection method: clinical testing. Allele origin: germline.
Comment: The ESRRB c.764T>C variant is predicted to result in the amino acid substitution p.Ile255Thr. To our knowledge, this variant has not been reported in the literature. This variant is reported in 0.016% of alleles in individuals of African descent in gnomAD. At this time, the clinical significance of this variant is uncertain due to the absence of conclusive functional and genetic evidence.

NM_001379180.1(ESRRB):c.827T>C (p.Ile276Thr)

Gene: ESRRB (estrogen related receptor beta; plus strand). Cytogenetic location: 14q24.3.
Variant type: single nucleotide variant.
Coding change: c.827T>C on transcript NM_001379180.1 (MANE Select); coding-DNA position 827, T replaced by C.
Protein change: p.Ile276Thr; replaces isoleucine 276 with threonine.
Molecular consequence: missense variant.
Genome position (GRCh38, 1-based): chr14:76,482,736, T>C. VCF-style: chr14-76482736-T-C. GRCh37 (hg19) VCF-style: chr14-76949079-T-C.
Other names: c.779T>C, p.Ile260Thr (NM_001411038.1); c.764T>C, p.Ile255Thr (NM_004452.4); short protein forms I276T, I255T, I260T.
Identifiers: ClinVar variation 4251173 (VCV004251173.2).